The following is an entry in ClinVar:

ClinVar aggregate classification (germline): Pathogenic (1 of 4 stars; one submission).

Conditions:
Primary ciliary dyskinesia. Also called: Ciliary dyskinesia. Identifiers: Orphanet 244, MedGen C0008780, MONDO:0016575, HP:0012265.

Allele frequency attached by ClinVar (database versions not stated): gnomAD 0.00001.

Submission:

Labcorp Genetics (formerly Invitae), Labcorp
Classification: Pathogenic for Primary ciliary dyskinesia. Last evaluated: 2023-02-24. Review status: criteria provided, single submitter. Criteria: Invitae Variant Classification Sherloc (09022015). Collection method: clinical testing. Allele origin: germline.
Comment: For these reasons, this variant has been classified as Pathogenic. This variant has not been reported in the literature in individuals affected with DNAAF3-related conditions. This variant is not present in population databases (gnomAD no frequency). This sequence change creates a premature translational stop signal (p.Trp221*) in the DNAAF3 gene. It is expected to result in an absent or disrupted protein product. Loss-of-function variants in DNAAF3 are known to be pathogenic (PMID: 22387996).

Literature cited by the submitters: PubMed 22387996.

NM_001256715.2(DNAAF3):c.458G>A (p.Trp153Ter)

Genes: DNAAF3 (dynein axonemal assembly factor 3; minus strand), DNAAF3-AS1 (DNAAF3 antisense RNA 1; plus strand). Cytogenetic location: 19q13.42.
Variant type: single nucleotide variant.
Coding change: c.458G>A on transcript NM_001256715.2 (MANE Select); coding-DNA position 458, G replaced by A.
Protein change: p.Trp153Ter; replaces tryptophan 153 with a stop codon.
Molecular consequence: nonsense.
Genome position (GRCh38, 1-based): chr19:55,162,155, C>T on the plus strand (G>A on the coding strand, the complement: DNAAF3 is on the minus strand). VCF-style: chr19-55162155-C-T. GRCh37 (hg19) VCF-style: chr19-55673523-C-T.
Other names: c.662G>A, p.Trp221Ter (NM_001256714.1); c.296G>A, p.Trp99Ter (NM_001256716.2); c.599G>A, p.Trp200Ter (NM_178837.4); short protein forms W221*, W99*, W153*, W200*.
Identifiers: ClinVar variation 2803666 (VCV002803666.3), dbSNP rs2085848277, ClinGen allele CA407456804.